The following is an entry in ClinVar:

NM_014979.4(SV2C):c.1701G>A (p.Thr567=)

Genes: SV2C (synaptic vesicle glycoprotein 2C; plus strand), SV2C-AS2 (SV2C antisense RNA 2; minus strand). Cytogenetic location: 5q13.3.
Variant type: single nucleotide variant.
Coding change: c.1701G>A on transcript NM_014979.4 (MANE Select); coding-DNA position 1701, G replaced by A.
Protein change: p.Thr567=; no amino-acid change (threonine 567 retained).
Molecular consequence: synonymous variant.
Genome position (GRCh38, 1-based): chr5:76,300,793, G>A. VCF-style: chr5-76300793-G-A. GRCh37 (hg19) VCF-style: chr5-75596618-G-A.
Other names: c.1701G>A, p.Thr567= (NM_001297716.2).
Identifiers: ClinVar variation 786058 (VCV000786058.6), dbSNP rs113489031, ClinGen allele CA3311351.
Genomic context (GRCh38, chr5:76,300,793, plus strand): 5'-TGAGCCATATAAATTCATTGACAGTGAATTTAAAAACTGCTCGTTTTTTCACAACAAGAC[G>A]GGATGTCAGATTACCTTTGATGATGACTATAGTGCCTACTGGATTTATTTTGTCAACTTT-3'
Protein context (NP_055794.3, residues 557-577): FKNCSFFHNK[Thr567=]GCQITFDDDY

ClinVar aggregate classification (germline): Benign. Review status: criteria provided, multiple submitters, no conflicts (2 of 4 stars). 3 submissions from 3 submitters: Benign (2). 1 of the submissions does not count toward it. Last evaluated 2018-05-18.

Conditions:
SV2C-related disorder. Also called: SV2C-related condition.

Allele frequency attached by ClinVar (database versions not stated): gnomAD exomes 0.00270; ExAC 0.00276; 1000 Genomes Project 30x 0.00687; 1000 Genomes Project 0.00719; ESP Exome Variant Server 0.00732; gnomAD 0.00738 and 0.00789; TOPMed 0.00800.

Submissions (3):

Labcorp Genetics (formerly Invitae), Labcorp
Classification: Benign. Last evaluated: 2018-05-18. Review status: criteria provided, single submitter. Criteria: Invitae Variant Classification Sherloc (09022015). Collection method: clinical testing. Allele origin: germline.

Breakthrough Genomics
Classification: Benign. Review status: criteria provided, single submitter. Criteria: ACMG Guidelines, 2015. Collection method: not provided. Allele origin: germline. Inheritance: Unknown mechanism. Affected: yes.

PreventionGenetics, part of Exact Sciences
Classification: Benign for SV2C-related condition. Last evaluated: 2019-02-20. Review status: no assertion criteria provided. Collection method: clinical testing. Allele origin: germline. Not counted in ClinVar's aggregate classification.
Comment: This variant is classified as benign based on ACMG/AMP sequence variant interpretation guidelines (Richards et al. 2015 PMID: 25741868, with internal and published modifications).